The following is an entry in ClinVar:

ClinVar aggregate classification (germline): Uncertain significance (1 of 4 stars; one submission).

gnomAD v4.1: 1 of 1,613,864 alleles (0.000062%); highest among the groups gnomAD compares: Non-Finnish European, 0.000085%; no homozygotes.

Submission:

Labcorp Genetics (formerly Invitae), Labcorp
Classification: Uncertain significance. Last evaluated: 2024-03-16. Review status: criteria provided, single submitter. Criteria: Invitae Variant Classification Sherloc (09022015). Collection method: clinical testing. Allele origin: germline.
Comment: This sequence change replaces valine, which is neutral and non-polar, with methionine, which is neutral and non-polar, at codon 161 of the ALPL protein (p.Val161Met). This variant is not present in population databases (gnomAD no frequency). This variant has not been reported in the literature in individuals affected with ALPL-related conditions. Advanced modeling of protein sequence and biophysical properties (such as structural, functional, and spatial information, amino acid conservation, physicochemical variation, residue mobility, and thermodynamic stability) performed at Invitae indicates that this missense variant is expected to disrupt ALPL protein function with a positive predictive value of 95%. In summary, the available evidence is currently insufficient to determine the role of this variant in disease. Therefore, it has been classified as a Variant of Uncertain Significance.

NM_000478.6(ALPL):c.481G>A (p.Val161Met)

Gene: ALPL (alkaline phosphatase, biomineralization associated; plus strand). Cytogenetic location: 1p36.12.
Variant type: single nucleotide variant.
Coding change: c.481G>A on transcript NM_000478.6 (MANE Select); coding-DNA position 481, G replaced by A.
Protein change: p.Val161Met; replaces valine 161 with methionine.
Molecular consequence: missense variant.
Genome position (GRCh38, 1-based): chr1:21,564,049, G>A. VCF-style: chr1-21564049-G-A. GRCh37 (hg19) VCF-style: chr1-21890542-G-A.
Other names: c.481G>A, p.Val161Met (NM_001369803.2, NM_001369804.2, NM_001369805.2); c.316G>A, p.Val106Met (NM_001127501.4); c.250G>A, p.Val84Met (NM_001177520.3); short protein forms V106M, V161M, V84M.
Identifiers: ClinVar variation 3623654 (VCV003623654.2).